The following is an entry in ClinVar:

ClinVar aggregate classification (germline): Likely benign (0 of 4 stars; one submission).

Conditions:
GLUL-related disorder. Also called: GLUL-related condition.

Allele frequency attached by ClinVar (database versions not stated): ExAC 0.00001; gnomAD 0.00001; gnomAD exomes 0.00002; TOPMed 0.00003.
gnomAD v4.1: 27 of 1,613,472 alleles (0.0017%); highest among the groups gnomAD compares: East Asian, 0.0022%; no homozygotes.

Submission:

PreventionGenetics, part of Exact Sciences
Classification: Likely benign for GLUL-related condition. Last evaluated: 2022-03-14. Review status: no assertion criteria provided. Collection method: clinical testing. Allele origin: germline.
Comment: This variant is classified as likely benign based on ACMG/AMP sequence variant interpretation guidelines (Richards et al. 2015 PMID: 25741868, with internal and published modifications).

NM_001033044.4(GLUL):c.456C>T (p.Asn152=)

Genes: GLUL (glutamate-ammonia ligase; minus strand), LOC126805944 (CDK7 strongly-dependent group 2 enhancer GRCh37_chr1:182354799-182355998; plus strand). Cytogenetic location: 1q25.3.
Variant type: single nucleotide variant.
Coding change: c.456C>T on transcript NM_001033044.4 (MANE Select); coding-DNA position 456, C replaced by T.
Protein change: p.Asn152=; no amino-acid change (asparagine 152 retained).
Molecular consequence: synonymous variant.
Genome position (GRCh38, 1-based): chr1:182,386,275, G>A on the plus strand (C>T on the coding strand, the complement: GLUL is on the minus strand). VCF-style: chr1-182386275-G-A. GRCh37 (hg19) VCF-style: chr1-182355410-G-A.
Other names: c.456C>T, p.Asn152= (NM_001033056.4, NM_002065.7).
Identifiers: ClinVar variation 3031880 (VCV003031880.2), dbSNP rs771286038, ClinGen allele CA1277150.